The following is an entry in ClinVar:

ClinVar aggregate classification (germline): Uncertain significance (1 of 4 stars; one submission).

Allele frequency attached by ClinVar (database versions not stated): gnomAD exomes below 0.00001.

Submission:

Labcorp Genetics (formerly Invitae), Labcorp
Classification: Uncertain significance. Last evaluated: 2021-02-03. Review status: criteria provided, single submitter. Criteria: Invitae Variant Classification Sherloc (09022015). Collection method: clinical testing. Allele origin: germline.
Comment: This variant is not present in population databases (ExAC no frequency). This sequence change replaces histidine with arginine at codon 393 of the TUBA8 protein (p.His393Arg). The histidine residue is highly conserved and there is a small physicochemical difference between histidine and arginine. In summary, the available evidence is currently insufficient to determine the role of this variant in disease. Therefore, it has been classified as a Variant of Uncertain Significance. Algorithms developed to predict the effect of missense changes on protein structure and function are either unavailable or do not agree on the potential impact of this missense change (SIFT: "Deleterious"; PolyPhen-2: "Probably Damaging"; Align-GVGD: "Class C0"). This variant has not been reported in the literature in individuals with TUBA8-related conditions.

NM_018943.3(TUBA8):c.1178A>G (p.His393Arg)

Gene: TUBA8 (tubulin alpha 8; plus strand). Cytogenetic location: 22q11.21.
Variant type: single nucleotide variant.
Coding change: c.1178A>G on transcript NM_018943.3 (MANE Select); coding-DNA position 1178, A replaced by G.
Protein change: p.His393Arg; replaces histidine 393 with arginine.
Molecular consequence: missense variant.
Genome position (GRCh38, 1-based): chr22:18,130,964, A>G. VCF-style: chr22-18130964-A-G. GRCh37 (hg19) VCF-style: chr22-18613731-A-G.
Other names: c.980A>G, p.His327Arg (NM_001193414.2); short protein forms H327R, H393R.
Identifiers: ClinVar variation 1369332 (VCV001369332.8), dbSNP rs1036306970, ClinGen allele CA321288599.